The following is an entry in ClinVar:

ClinVar aggregate classification (germline): Uncertain significance (1 of 4 stars; one submission).

Conditions:
Xeroderma pigmentosum, group F (XPF). Also called: XERODERMA PIGMENTOSUM, COMPLEMENTATION GROUP F; XERODERMA PIGMENTOSUM VI; XP, GROUP F; ERCC4-Related Xeroderma Pigmentosum; XERODERMA PIGMENTOSUM, TYPE F; Xeroderma pigmentosum, type 6. Identifiers: MedGen C0268140, MONDO:0010215, OMIM 278760.
Fanconi anemia complementation group Q. Identifiers: Orphanet 84, MedGen C3808988, MONDO:0014108, OMIM 615272.
Cockayne syndrome. Identifiers: Orphanet 191, MedGen C0009207, MONDO:0016006.

Submission:

Labcorp Genetics (formerly Invitae), Labcorp
Classification: Uncertain significance for Fanconi anemia complementation group Q; Xeroderma pigmentosum, group F; Cockayne syndrome. Last evaluated: 2026-01-20. Review status: criteria provided, single submitter. Criteria: Invitae Variant Classification Sherloc (09022015). Collection method: clinical testing. Allele origin: germline.
Comment: This sequence change replaces histidine, which is basic and polar, with arginine, which is basic and polar, at codon 571 of the ERCC4 protein (p.His571Arg). This variant is not present in population databases (gnomAD no frequency). This variant has not been reported in the literature in individuals affected with ERCC4-related conditions. Invitae Evidence Modeling of protein sequence and biophysical properties (such as structural, functional, and spatial information, amino acid conservation, physicochemical variation, residue mobility, and thermodynamic stability) indicates that this missense variant is not expected to disrupt ERCC4 protein function with a negative predictive value of 80%. In summary, the available evidence is currently insufficient to determine the role of this variant in disease. Therefore, it has been classified as a Variant of Uncertain Significance.

NM_005236.3(ERCC4):c.1712A>G (p.His571Arg)

Gene: ERCC4 (ERCC excision repair 4, endonuclease catalytic subunit; plus strand). Cytogenetic location: 16p13.12.
Variant type: single nucleotide variant.
Coding change: c.1712A>G on transcript NM_005236.3 (MANE Select); coding-DNA position 1712, A replaced by G.
Protein change: p.His571Arg; replaces histidine 571 with arginine.
Molecular consequence: missense variant.
Genome position (GRCh38, 1-based): chr16:13,935,644, A>G. VCF-style: chr16-13935644-A-G. GRCh37 (hg19) VCF-style: chr16-14029501-A-G.
Other names: short protein forms H571R.
Identifiers: ClinVar variation 4787875 (VCV004787875.1).